The following is an entry in ClinVar:

NM_000038.6(APC):c.537C>A (p.Ser179=)

Gene: APC (APC regulator of Wnt signaling pathway; plus strand). Cytogenetic location: 5q22.2.
Variant type: single nucleotide variant.
Coding change: c.537C>A on transcript NM_000038.6 (MANE Select); coding-DNA position 537, C replaced by A.
Protein change: p.Ser179=; no amino-acid change (serine 179 retained).
Molecular consequence: synonymous variant. On other transcripts: 5 prime UTR variant (1).
Genome position (GRCh38, 1-based): chr5:112,780,795, C>A. VCF-style: chr5-112780795-C-A. GRCh37 (hg19) VCF-style: chr5-112116492-C-A.
Other names: c.537C>A, p.Ser179= (NM_001127510.3, NM_001354895.2, NM_001354896.2 and 2 more transcripts); c.567C>A, p.Ser189= (NM_001127511.3, NM_001354897.2, NM_001354902.2); c.462C>A, p.Ser154= (NM_001354898.2, NM_001354904.2); c.360C>A, p.Ser120= (NM_001354900.2, NM_001354901.2, NM_001354905.2); c.-499C>A (NM_001354906.2).
Identifiers: ClinVar variation 187344 (VCV000187344.23), dbSNP rs149736402, ClinGen allele CA010363.

ClinVar aggregate classification (germline): Benign/Likely benign. Review status: criteria provided, multiple submitters, no conflicts (2 of 4 stars). 8 submissions from 8 submitters: Benign (1); Likely benign (7). Last evaluated 2025-09-14.

Conditions:
Classic or attenuated familial adenomatous polyposis. Identifiers: MedGen CN372698, MONDO:0021057.
Hereditary cancer-predisposing syndrome. Also called: Neoplastic Syndromes, Hereditary; Tumor predisposition; Hereditary Cancer Syndrome; Hereditary neoplastic syndrome. Identifiers: Orphanet 140162, MedGen C0027672, MeSH D009386, MONDO:0015356.
Familial adenomatous polyposis 1 (FAP1). Also called: FAMILIAL ADENOMATOUS POLYPOSIS 1, ATTENUATED; POLYPOSIS, ADENOMATOUS INTESTINAL. Identifiers: MedGen C2713442, MONDO:0021056, OMIM 175100. Disease mechanism: loss of function.

Allele frequency attached by ClinVar (database versions not stated): gnomAD exomes below 0.00001; TOPMed below 0.00001; ExAC 0.00001; ESP Exome Variant Server 0.00008.
gnomAD v4.1: 3 of 1,608,140 alleles (0.00019%); highest among the groups gnomAD compares: Non-Finnish European, 0.00026%; no homozygotes.

Submissions (8):

Labcorp Genetics (formerly Invitae), Labcorp
Classification: Likely benign for Familial adenomatous polyposis 1. Last evaluated: 2025-09-14. Review status: criteria provided, single submitter. Criteria: Invitae Variant Classification Sherloc (09022015). Collection method: clinical testing. Allele origin: germline.

Center for Genomic Medicine, Rigshospitalet, Copenhagen University Hospital
Classification: Likely benign. Last evaluated: 2025-03-04. Review status: criteria provided, single submitter. Criteria: ACMG Guidelines, 2015. Collection method: clinical testing. Allele origin: germline.

Department of Pathology and Laboratory Medicine, Sinai Health System
Classification: Likely benign for classic or attenuated familial adenomatous polyposis. Last evaluated: 2025-01-02. Review status: criteria provided, single submitter. Criteria: ACMG Guidelines, 2015. Collection method: clinical testing. Allele origin: germline.

Myriad Genetics, Inc.
Classification: Benign for Familial adenomatous polyposis 1. Last evaluated: 2024-02-23. Review status: criteria provided, single submitter. Criteria: Myriad Autosomal Dominant, Autosomal Recessive and X-Linked Classification Criteria (2023). Collection method: clinical testing. Allele origin: unknown.
Comment: This variant is considered benign. This variant is a silent/synonymous amino acid change and it is not expected to impact splicing.

All of Us Research Program, National Institutes of Health
Classification: Likely benign for Classic or attenuated familial adenomatous polyposis. Last evaluated: 2023-10-30. Review status: criteria provided, single submitter. Criteria: ACMG Guidelines, 2015. Collection method: clinical testing. Allele origin: germline. Inheritance: Autosomal dominant inheritance. Observed: 2 variant alleles, 2 heterozygotes.
Comment: This study involves interpretation of variants in research participants for the purpose of population health screening. Participant phenotype was not available at the time of variant classification. Additional details can be found in publication PMID: 35346344, PMCID: PMC8962531

Women's Health and Genetics/Laboratory Corporation of America, LabCorp
Classification: Likely benign. Last evaluated: 2019-08-20. Review status: criteria provided, single submitter. Criteria: LabCorp Variant Classification Summary - May 2015. Collection method: clinical testing. Allele origin: germline.

Color Diagnostics, LLC DBA Color Health
Classification: Likely benign for Hereditary cancer-predisposing syndrome. Last evaluated: 2016-11-21. Review status: criteria provided, single submitter. Criteria: ACMG Guidelines, 2015. Collection method: clinical testing. Allele origin: germline.

Ambry Genetics
Classification: Likely benign for Hereditary cancer-predisposing syndrome. Last evaluated: 2014-12-04. Review status: criteria provided, single submitter. Criteria: Ambry Variant Classification Scheme 2023. Collection method: clinical testing. Allele origin: germline.